The following is an entry in ClinVar:

ClinVar aggregate classification (germline): Conflicting classifications of pathogenicity. Review status: criteria provided, conflicting classifications (1 of 4 stars). 3 submissions from 3 submitters: Uncertain significance (1); Likely benign (1). 1 of the submissions does not count toward it. Last evaluated 2023-10-27.

Conditions:
EP300-related disorder. Also called: EP300-related disorders; EP300-related condition.
Inborn genetic diseases. Identifiers: MedGen C0950123, MeSH D030342.

Allele frequency attached by ClinVar (database versions not stated): ExAC 0.00002; gnomAD exomes 0.00002; TOPMed 0.00002.

Submissions (3):

Ambry Genetics
Classification: Likely benign for Inborn genetic diseases. Last evaluated: 2023-10-27. Review status: criteria provided, single submitter. Criteria: Ambry Variant Classification Scheme 2023. Collection method: clinical testing. Allele origin: germline.

Eurofins Ntd Llc (ga)
Classification: Uncertain significance. Last evaluated: 2016-09-06. Review status: criteria provided, single submitter. Criteria: EGL Classification Definitions 2015. Collection method: clinical testing. Allele origin: germline. Observed: 2 variant alleles, 2 heterozygotes.

PreventionGenetics, part of Exact Sciences
Classification: Uncertain significance for EP300-related condition. Last evaluated: 2024-06-06. Review status: no assertion criteria provided. Collection method: clinical testing. Allele origin: germline. Not counted in ClinVar's aggregate classification.
Comment: The EP300 c.574A>T variant is predicted to result in the amino acid substitution p.Met192Leu. To our knowledge, this variant has not been reported in the literature. This variant is reported in 0.0044% of alleles in individuals of European (Non-Finnish) descent in gnomAD. At this time, the clinical significance of this variant is uncertain due to the absence of conclusive functional and genetic evidence.

NM_001429.4(EP300):c.574A>T (p.Met192Leu)

Gene: EP300 (E1A binding protein p300; plus strand). Cytogenetic location: 22q13.2.
Variant type: single nucleotide variant.
Coding change: c.574A>T on transcript NM_001429.4 (MANE Select); coding-DNA position 574, A replaced by T.
Protein change: p.Met192Leu; replaces methionine 192 with leucine.
Molecular consequence: missense variant.
Genome position (GRCh38, 1-based): chr22:41,117,666, A>T. VCF-style: chr22-41117666-A-T. GRCh37 (hg19) VCF-style: chr22-41513670-A-T.
Other names: c.574A>T, p.Met192Leu (NM_001362843.2); c.574A>T (NM_001429.3); short protein forms M192L.
Identifiers: ClinVar variation 289515 (VCV000289515.7), dbSNP rs771650739, ClinGen allele CA10252278.